The following is an entry in ClinVar:

ClinVar aggregate classification (germline): Uncertain significance (1 of 4 stars; one submission).

Conditions:
Hereditary cancer-predisposing syndrome. Also called: Neoplastic Syndromes, Hereditary; Tumor predisposition; Hereditary Cancer Syndrome; Hereditary neoplastic syndrome. Identifiers: Orphanet 140162, MedGen C0027672, MeSH D009386, MONDO:0015356.

Submission:

Ambry Genetics
Classification: Uncertain significance for Hereditary cancer-predisposing syndrome. Last evaluated: 2021-03-18. Review status: criteria provided, single submitter. Criteria: Ambry Variant Classification Scheme 2023. Collection method: clinical testing. Allele origin: germline.
Comment: The p.M1013I variant (also known as c.3039G>A), located in coding exon 13 of the MET gene, results from a G to A substitution at nucleotide position 3039. The methionine at codon 1013 is replaced by isoleucine, an amino acid with highly similar properties. This amino acid position is highly conserved in available vertebrate species. In addition, the in silico prediction for this alteration is inconclusive. Since supporting evidence is limited at this time, the clinical significance of this alteration remains unclear.

NM_000245.4(MET):c.2985G>A (p.Met995Ile)

Gene: MET (MET proto-oncogene, receptor tyrosine kinase; plus strand). Cytogenetic location: 7q31.2.
Variant type: single nucleotide variant.
Coding change: c.2985G>A on transcript NM_000245.4 (MANE Select); coding-DNA position 2985, G replaced by A.
Protein change: p.Met995Ile; replaces methionine 995 with isoleucine.
Molecular consequence: missense variant.
Genome position (GRCh38, 1-based): chr7:116,771,946, G>A. VCF-style: chr7-116771946-G-A. GRCh37 (hg19) VCF-style: chr7-116412000-G-A.
Other names: c.3039G>A, p.Met1013Ile (NM_001127500.3); c.1695G>A, p.Met565Ile (NM_001324402.2); short protein forms M1013I, M995I, M565I.
Identifiers: ClinVar variation 1799115 (VCV001799115.2), dbSNP rs1162243103, ClinGen allele CA368987318.